The following is an entry in ClinVar:

NM_001009944.3(PKD1):c.3796C>T (p.Arg1266Trp)

Gene: PKD1 (polycystin 1, transient receptor potential channel interacting; minus strand). Cytogenetic location: 16p13.3.
Variant type: single nucleotide variant.
Coding change: c.3796C>T on transcript NM_001009944.3 (MANE Select); coding-DNA position 3796, C replaced by T.
Protein change: p.Arg1266Trp; replaces arginine 1266 with tryptophan.
Molecular consequence: missense variant.
Genome position (GRCh38, 1-based): chr16:2,111,371, G>A on the plus strand (C>T on the coding strand, the complement: PKD1 is on the minus strand). VCF-style: chr16-2111371-G-A. GRCh37 (hg19) VCF-style: chr16-2161372-G-A.
Other names: c.3796C>T, p.Arg1266Trp (NM_000296.4); c.3796C>T (NM_000296.3); short protein forms R1266W.
Identifiers: ClinVar variation 451535 (VCV000451535.6), dbSNP rs376754657, ClinGen allele CA7832630.
Genomic context (GRCh38, chr16:2,111,371, plus strand): 5'-TCCGGGCCAGGTGGCCGGCGGGGCTGGCCGCACCCACGGTCACTGTGCAGTTCTGTGCCC[G>A]CAGGTACACATGCTCCACTGTTGCCTCCGGGCCCGACAGCACGGTGCCGTCCCCCATGTC-3'
Protein context (NP_001009944.3, residues 1256-1276): PEATVEHVYL[Arg1266Trp]AQNCTVTVGA

ClinVar aggregate classification (germline): Conflicting classifications of pathogenicity. Review status: criteria provided, conflicting classifications (1 of 4 stars). 3 submissions from 3 submitters: Uncertain significance (2); Likely benign (1). Last evaluated 2025-03-28.

Conditions:
PKD1-related disorder. Also called: PKD1-related condition.
Inborn genetic diseases. Identifiers: MedGen C0950123, MeSH D030342.

Allele frequency attached by ClinVar (database versions not stated): ESP Exome Variant Server 0.00024; gnomAD 0.00009; TOPMed 0.00013.
gnomAD v4.1: 43 of 1,610,970 alleles (0.0027%); highest among the groups gnomAD compares: African/African-American, 0.023%; no homozygotes.

Submissions (3):

PreventionGenetics, part of Exact Sciences
Classification: Uncertain significance for PKD1-related condition. Last evaluated: 2025-03-28. Review status: criteria provided, single submitter. Criteria: ACMG Guidelines, 2015. Collection method: clinical testing. Allele origin: germline.
Comment: The PKD1 c.3796C>T variant is predicted to result in the amino acid substitution p.Arg1266Trp. To our knowledge, this variant has not been reported in the literature. This variant is reported in 0.021% of alleles in individuals of African descent in gnomAD. Although we suspect that this variant may be benign, at this time, the clinical significance of this variant is uncertain due to the absence of conclusive functional and genetic evidence.

Ambry Genetics
Classification: Uncertain significance for Inborn genetic diseases. Last evaluated: 2021-10-22. Review status: criteria provided, single submitter. Criteria: Ambry Variant Classification Scheme 2023. Collection method: clinical testing. Allele origin: germline.

GeneDx
Classification: Likely benign. Last evaluated: 2020-04-08. Review status: criteria provided, single submitter. Criteria: GeneDx Variant Classification Process June 2021. Collection method: clinical testing. Allele origin: germline. Affected: yes.
Comment: In silico analysis supports that this missense variant does not alter protein structure/function; Has not been previously published as pathogenic or benign to our knowledge